The following is an entry in ClinVar:

ClinVar aggregate classification (germline): Uncertain significance (1 of 4 stars; one submission).

Conditions:
Leber congenital amaurosis 1 (LCA1). Also called: AMAUROSIS CONGENITA OF LEBER I; RETINAL BLINDNESS, CONGENITAL; Congenital absence of the rods and cones; Leber's congenital tapetoretinal degeneration; Leber's congenital tapetoretinal dysplasia. Identifiers: Orphanet 65, MedGen C2931258, MONDO:0008764, OMIM 204000.
Cone-rod dystrophy 6 (CORD6). Also called: RETINAL CONE DYSTROPHY 2; Cone dystrophy progressive. Identifiers: Orphanet 1872, MedGen C1866293, MONDO:0011143, OMIM 601777.

gnomAD v4.1: 27 of 1,613,910 alleles (0.0017%); highest among the groups gnomAD compares: Non-Finnish European, 0.0023%; no homozygotes.

Submission:

Labcorp Genetics (formerly Invitae), Labcorp
Classification: Uncertain significance for Leber congenital amaurosis 1; Cone-rod dystrophy 6. Last evaluated: 2025-07-08. Review status: criteria provided, single submitter. Criteria: Invitae Variant Classification Sherloc (09022015). Collection method: clinical testing. Allele origin: germline.
Comment: This sequence change replaces alanine, which is neutral and non-polar, with threonine, which is neutral and polar, at codon 608 of the GUCY2D protein (p.Ala608Thr). This variant is present in population databases (rs761968706, gnomAD 0.003%). This variant has not been reported in the literature in individuals affected with GUCY2D-related conditions. Invitae Evidence Modeling of protein sequence and biophysical properties (such as structural, functional, and spatial information, amino acid conservation, physicochemical variation, residue mobility, and thermodynamic stability) indicates that this missense variant is not expected to disrupt GUCY2D protein function with a negative predictive value of 95%. In summary, the available evidence is currently insufficient to determine the role of this variant in disease. Therefore, it has been classified as a Variant of Uncertain Significance.

NM_000180.4(GUCY2D):c.1822G>A (p.Ala608Thr)

Gene: GUCY2D (guanylate cyclase 2D, retinal; plus strand). Cytogenetic location: 17p13.1.
Variant type: single nucleotide variant.
Coding change: c.1822G>A on transcript NM_000180.4 (MANE Select); coding-DNA position 1822, G replaced by A.
Protein change: p.Ala608Thr; replaces alanine 608 with threonine.
Molecular consequence: missense variant.
Genome position (GRCh38, 1-based): chr17:8,012,216, G>A. VCF-style: chr17-8012216-G-A. GRCh37 (hg19) VCF-style: chr17-7915534-G-A.
Other names: short protein forms A608T.
Identifiers: ClinVar variation 4782496 (VCV004782496.1).